The following is an entry in ClinVar:

NM_000521.4(HEXB):c.1625C>T (p.Ala542Val)

Gene: HEXB (hexosaminidase subunit beta; plus strand). Cytogenetic location: 5q13.3.
Variant type: single nucleotide variant.
Coding change: c.1625C>T on transcript NM_000521.4 (MANE Select); coding-DNA position 1625, C replaced by T.
Protein change: p.Ala542Val; replaces alanine 542 with valine.
Molecular consequence: missense variant.
Genome position (GRCh38, 1-based): chr5:74,721,129, C>T. VCF-style: chr5-74721129-C-T. GRCh37 (hg19) VCF-style: chr5-74016954-C-T.
Other names: c.950C>T, p.Ala317Val (NM_001292004.2); short protein forms A317V, A542V.
Identifiers: ClinVar variation 646671 (VCV000646671.7), dbSNP rs767663018, ClinGen allele CA3306241.

ClinVar aggregate classification (germline): Uncertain significance. Review status: criteria provided, single submitter (1 of 4 stars). 2 submissions from 2 submitters: Uncertain significance (1). 1 of the submissions does not count toward it. Last evaluated 2021-09-02.

Conditions:
Sandhoff disease. Also called: GM2-GANGLIOSIDOSIS, TYPE II; HEXOSAMINIDASES A AND B DEFICIENCY; Beta-hexosaminidase-beta-subunit deficiency; GM2 gangliosidosis, type 2; Total hexosaminidase deficiency; Sandhoff-Jatzkewitz-Pilz disease. Identifiers: Orphanet 796, MedGen C0036161, MONDO:0010006, OMIM 268800.

Allele frequency attached by ClinVar (database versions not stated): TOPMed below 0.00001; gnomAD 0.00001.
gnomAD v4.1: 15 of 1,612,102 alleles (0.00093%); highest among the groups gnomAD compares: South Asian, 0.013%; no homozygotes.

Submissions (2):

Labcorp Genetics (formerly Invitae), Labcorp
Classification: Uncertain significance for Sandhoff disease. Last evaluated: 2021-09-02. Review status: criteria provided, single submitter. Criteria: Invitae Variant Classification Sherloc (09022015). Collection method: clinical testing. Allele origin: germline.
Comment: This sequence change replaces alanine with valine at codon 542 of the HEXB protein (p.Ala542Val). The alanine residue is moderately conserved and there is a small physicochemical difference between alanine and valine. The frequency data for this variant in the population databases is considered unreliable, as metrics indicate poor data quality at this position in the ExAC database. This variant has not been reported in the literature in individuals affected with HEXB-related conditions. Algorithms developed to predict the effect of missense changes on protein structure and function (SIFT, PolyPhen-2, Align-GVGD) all suggest that this variant is likely to be tolerated. In summary, the available evidence is currently insufficient to determine the role of this variant in disease. Therefore, it has been classified as a Variant of Uncertain Significance.

Natera, Inc.
Classification: Uncertain significance for Sandhoff disease. Last evaluated: 2020-01-24. Review status: no assertion criteria provided. Collection method: clinical testing. Allele origin: germline. Not counted in ClinVar's aggregate classification.